The following is an entry in ClinVar:

NM_001370466.1(NOD2):c.46G>A (p.Glu16Lys)

Gene: NOD2 (nucleotide binding oligomerization domain containing 2; plus strand). Cytogenetic location: 16q12.1.
Variant type: single nucleotide variant.
Coding change: c.46G>A on transcript NM_001370466.1 (MANE Select); coding-DNA position 46, G replaced by A.
Protein change: p.Glu16Lys; replaces glutamic acid 16 with lysine.
Molecular consequence: missense variant. On other transcripts: non-coding transcript variant (1).
Genome position (GRCh38, 1-based): chr16:50,699,541, G>A. VCF-style: chr16-50699541-G-A. GRCh37 (hg19) VCF-style: chr16-50733452-G-A.
Other names: c.46G>A, p.Glu16Lys (NM_001293557.2); c.127G>A, p.Glu43Lys (NM_022162.3); short protein forms E43K, E16K.
Identifiers: ClinVar variation 462695 (VCV000462695.14), dbSNP rs200089552, ClinGen allele CA8051203.

ClinVar aggregate classification (germline): Likely benign. Review status: criteria provided, multiple submitters, no conflicts (2 of 4 stars). 3 submissions from 3 submitters: Likely benign (2). 1 of the submissions does not count toward it. Last evaluated 2026-01-26.

Conditions:
NOD2-related disorder. Also called: NOD2-related condition.
Regional enteritis. Also called: Enteritis, Granulomatous. Identifiers: MedGen C0678202, MeSH D003424.
Blau syndrome (BLAUS). Also called: GRANULOMATOSIS, FAMILIAL JUVENILE SYSTEMIC; GRANULOMATOSIS, FAMILIAL, BLAU TYPE; GRANULOMATOUS INFLAMMATORY ARTHRITIS, DERMATITIS, AND UVEITIS, FAMILIAL; ARTHROCUTANEOUVEAL GRANULOMATOSIS; JABS SYNDROME. Identifiers: Orphanet 90340, MedGen C5201146, MONDO:0008523, OMIM 186580.

Allele frequency attached by ClinVar (database versions not stated): ExAC 0.00009; gnomAD exomes 0.00010; gnomAD 0.00014 and 0.00015; TOPMed 0.00018.
gnomAD v4.1: 435 of 1,613,838 alleles (0.027%); highest among the groups gnomAD compares: Non-Finnish European, 0.035%; no homozygotes.

Submissions (3):

Labcorp Genetics (formerly Invitae), Labcorp
Classification: Likely benign for Regional enteritis; Blau syndrome. Last evaluated: 2026-01-26. Review status: criteria provided, single submitter. Criteria: Invitae Variant Classification Sherloc (09022015). Collection method: clinical testing. Allele origin: germline.

Blueprint Genetics
Classification: Likely benign. Last evaluated: 2023-12-22. Review status: criteria provided, single submitter. Criteria: ACMG Guidelines, 2015. Collection method: clinical testing. Allele origin: germline.

PreventionGenetics, part of Exact Sciences
Classification: Uncertain significance for NOD2-related condition. Last evaluated: 2024-09-20. Review status: no assertion criteria provided. Collection method: clinical testing. Allele origin: germline. Not counted in ClinVar's aggregate classification.
Comment: The NOD2 c.127G>A variant is predicted to result in the amino acid substitution p.Glu43Lys. To our knowledge, this variant has not been reported in the literature. This variant is reported in 0.019% of alleles in individuals of European (Non-Finnish) descent in gnomAD. At this time, the clinical significance of this variant is uncertain due to the absence of conclusive functional and genetic evidence.